The following is an entry in ClinVar:

NM_001606.5(ABCA2):c.3645C>T (p.Asp1215=)

Gene: ABCA2 (ATP binding cassette subfamily A member 2; minus strand). Cytogenetic location: 9q34.3.
Variant type: single nucleotide variant.
Coding change: c.3645C>T on transcript NM_001606.5 (MANE Select); coding-DNA position 3645, C replaced by T.
Protein change: p.Asp1215=; no amino-acid change (aspartic acid 1215 retained).
Molecular consequence: synonymous variant.
Genome position (GRCh38, 1-based): chr9:137,015,466, G>A on the plus strand (C>T on the coding strand, the complement: ABCA2 is on the minus strand). VCF-style: chr9-137015466-G-A. GRCh37 (hg19) VCF-style: chr9-139909918-G-A.
Other names: c.3735C>T, p.Asp1245= (NM_212533.3).
Identifiers: ClinVar variation 784079 (VCV000784079.38), dbSNP rs189266662, ClinGen allele CA5354710.

ClinVar aggregate classification (germline): Benign/Likely benign. Review status: criteria provided, multiple submitters, no conflicts (2 of 4 stars). 4 submissions from 4 submitters: Benign (1); Likely benign (3). Last evaluated 2026-08-01.

Allele frequency attached by ClinVar (database versions not stated): 1000 Genomes Project 30x 0.00078; 1000 Genomes Project 0.00080; ESP Exome Variant Server 0.00202; gnomAD 0.00218 and 0.00220; gnomAD exomes 0.00247 and 0.00271; TOPMed 0.00280; ExAC 0.00476.

Submissions (4):

CeGaT Center for Human Genetics Tuebingen
Classification: Likely benign. Last evaluated: 2026-08-01. Review status: criteria provided, single submitter. Criteria: CeGaT Center For Human Genetics Tuebingen Variant Classification Criteria Version 2. Collection method: clinical testing. Allele origin: germline. Affected: yes. Observed: 18 variant alleles.
Comment: ABCA2: BP4, BP7, BS2

Blueprint Genetics
Classification: Likely benign. Last evaluated: 2024-11-26. Review status: criteria provided, single submitter. Criteria: ACMG Guidelines, 2015. Collection method: clinical testing. Allele origin: germline.

Labcorp Genetics (formerly Invitae), Labcorp
Classification: Benign. Last evaluated: 2019-12-31. Review status: criteria provided, single submitter. Criteria: Invitae Variant Classification Sherloc (09022015). Collection method: clinical testing. Allele origin: germline.

Breakthrough Genomics
Classification: Likely benign. Review status: criteria provided, single submitter. Criteria: ACMG Guidelines, 2015. Collection method: not provided. Allele origin: germline. Inheritance: Autosomal recessive inheritance. Affected: yes.